The following is an entry in ClinVar:

NM_001243133.2(NLRP3):c.151G>A (p.Asp51Asn)

Gene: NLRP3 (NLR family pyrin domain containing 3; plus strand). Cytogenetic location: 1q44.
Variant type: single nucleotide variant.
Coding change: c.151G>A on transcript NM_001243133.2 (MANE Select); coding-DNA position 151, G replaced by A.
Protein change: p.Asp51Asn; replaces aspartic acid 51 with asparagine.
Molecular consequence: missense variant.
Genome position (GRCh38, 1-based): chr1:247,418,951, G>A. VCF-style: chr1-247418951-G-A. GRCh37 (hg19) VCF-style: chr1-247582253-G-A.
Other names: c.151G>A, p.Asp51Asn (NM_001079821.3, NM_001127461.3, NM_001127462.3 and 1 more transcripts); c.157G>A, p.Asp53Asn (NM_004895.5); short protein forms D53N, D51N.
Identifiers: ClinVar variation 3704365 (VCV003704365.2).

ClinVar aggregate classification (germline): Uncertain significance (1 of 4 stars; one submission).

Conditions:
Cryopyrin associated periodic syndrome (CAPS). Identifiers: Orphanet 208650, MedGen C2316212, MONDO:0016168.

Submission:

Labcorp Genetics (formerly Invitae), Labcorp
Classification: Uncertain significance for Cryopyrin associated periodic syndrome. Last evaluated: 2025-06-08. Review status: criteria provided, single submitter. Criteria: Invitae Variant Classification Sherloc (09022015). Collection method: clinical testing. Allele origin: germline.
Comment: This sequence change replaces aspartic acid, which is acidic and polar, with asparagine, which is neutral and polar, at codon 53 of the NLRP3 protein (p.Asp53Asn). This variant is present in population databases (rs775987594, gnomAD 0.006%). This variant has not been reported in the literature in individuals affected with NLRP3-related conditions. ClinVar contains an entry for this variant (Variation ID: 3704365). Invitae Evidence Modeling of protein sequence and biophysical properties (such as structural, functional, and spatial information, amino acid conservation, physicochemical variation, residue mobility, and thermodynamic stability) has been performed for this missense variant. However, the output from this modeling did not meet the statistical confidence thresholds required to predict the impact of this variant on NLRP3 protein function. In summary, the available evidence is currently insufficient to determine the role of this variant in disease. Therefore, it has been classified as a Variant of Uncertain Significance.